The following is an entry in ClinVar:

ClinVar aggregate classification (germline): Pathogenic. Review status: criteria provided, single submitter (1 of 4 stars). 3 submissions from 2 submitters: Pathogenic (1). 2 of the submissions do not count toward it. Last evaluated 2024-05-08.

Conditions:
Progressive muscular dystrophy. Identifiers: Orphanet 206644, MedGen C4551827, MONDO:0016106.
Duchenne muscular dystrophy (DMD). Also called: MUSCULAR DYSTROPHY, PSEUDOHYPERTROPHIC PROGRESSIVE, DUCHENNE TYPE; Duchenne Muscular Dystrophy (DMD). Identifiers: Orphanet 98896, MedGen C0013264, MONDO:0010679, OMIM 310200.
Becker muscular dystrophy (BMD). Also called: MUSCULAR DYSTROPHY, PSEUDOHYPERTROPHIC PROGRESSIVE, BECKER TYPE; Becker Muscular Dystrophy (BMD). Identifiers: Orphanet 98895, MedGen C0917713, MONDO:0010311, OMIM 300376.

Submissions (3):

Myriad Genetics, Inc.
Classification: Pathogenic for Progressive muscular dystrophy. Last evaluated: 2024-05-08. Review status: criteria provided, single submitter. Criteria: Myriad Autosomal Dominant, Autosomal Recessive and X-Linked Classification Criteria (2023). Collection method: clinical testing. Allele origin: unknown.
Comment: NM_004006.2(DMD):c.2669T>A(L890*) is expected to be pathogenic in the context of dystrophinopathy (including Duchenne/Becker muscular dystrophy). This variant is predicted to lead to an abnormal or absent protein product due to the creation of a premature termination codon in DMD, a gene where loss-of-function variants are known to be pathogenic. Please note: this variant was assessed in the context of healthy population screening.

Clinical Molecular Genetics Laboratory, Johns Hopkins All Children's Hospital
Classification: Pathogenic for Duchenne muscular dystrophy. Last evaluated: 2014-05-23. Review status: no assertion criteria provided. Collection method: clinical testing. Allele origin: germline. Affected: yes. Not counted in ClinVar's aggregate classification.

Clinical Molecular Genetics Laboratory, Johns Hopkins All Children's Hospital
Classification: Pathogenic for Becker muscular dystrophy. Last evaluated: 2014-05-23. Review status: no assertion criteria provided. Collection method: clinical testing. Allele origin: germline. Affected: yes. Not counted in ClinVar's aggregate classification.

NM_004006.3(DMD):c.2669T>A (p.Leu890Ter)

Gene: DMD (dystrophin; minus strand). Cytogenetic location: Xp21.1.
Variant type: single nucleotide variant.
Coding change: c.2669T>A on transcript NM_004006.3 (MANE Select); coding-DNA position 2669, T replaced by A.
Protein change: p.Leu890Ter; replaces leucine 890 with a stop codon.
Molecular consequence: nonsense.
Genome position (GRCh38, 1-based): chrX:32,485,053, A>T on the plus strand (T>A on the coding strand, the complement: DMD is on the minus strand). VCF-style: chrX-32485053-A-T. GRCh37 (hg19) VCF-style: chrX-32503170-A-T.
Other names: c.2645T>A, p.Leu882Ter (NM_000109.4); c.2657T>A, p.Leu886Ter (NM_004009.3); c.2300T>A, p.Leu767Ter (NM_004010.3); short protein forms L890*, L767*, L886*, L882*.
Identifiers: ClinVar variation 492823 (VCV000492823.2), dbSNP rs1557380616, ClinGen allele CA412670993.
Genomic context (GRCh38, chrX:32,485,053, plus strand): 5'-TCTGCATCCAGGAACATGGGTCCTTGTCCTTTCTCTTTCAGGGCTATGCTTTGAATTTTT[A>T]ATCGTTCAATTTGAGGTTGAAGATCTGATAGCCGGTTGACTTCATCCTGTGCCATAGAGT-3'